The following is an entry in ClinVar:

NM_014141.6(CNTNAP2):c.580del (p.Val194fs)

Gene: CNTNAP2 (contactin associated protein 2; plus strand). Cytogenetic location: 7q35.
Variant type: Deletion.
Coding change: c.580del on transcript NM_014141.6 (MANE Select); coding-DNA position 580, one base deleted (G; older notation c.580delG).
Protein change: p.Val194fs; shifts the reading frame from valine 194.
Molecular consequence: frameshift variant.
Genome position (GRCh38, 1-based): chr7:147,108,176, G deleted. VCF-style (leftmost placement, unchanged base first): chr7-147108175-TG-T. GRCh37 (hg19) VCF-style: chr7-146805267-TG-T.
Other names: short protein forms V194fs.
Identifiers: ClinVar variation 4720312 (VCV004720312.1).

ClinVar aggregate classification (germline): Pathogenic (1 of 4 stars; one submission).

Conditions:
Cortical dysplasia-focal epilepsy syndrome (PTHSL1). Also called: Pitt-Hopkins-like syndrome 1. Identifiers: Orphanet 163681, Orphanet 221150, MedGen C2750246, MONDO:0012400, OMIM 610042.

Submission:

Labcorp Genetics (formerly Invitae), Labcorp
Classification: Pathogenic for Cortical dysplasia-focal epilepsy syndrome. Last evaluated: 2025-07-13. Review status: criteria provided, single submitter. Criteria: Invitae Variant Classification Sherloc (09022015). Collection method: clinical testing. Allele origin: germline.
Comment: This sequence change creates a premature translational stop signal (p.Val194Leufs*12) in the CNTNAP2 gene. It is expected to result in an absent or disrupted protein product. Loss-of-function variants in CNTNAP2 are known to be pathogenic (PMID: 19896112, 21827697, 25045150, 26843181, 27439707). This variant is not present in population databases (gnomAD no frequency). This variant has not been reported in the literature in individuals affected with CNTNAP2-related conditions. For these reasons, this variant has been classified as Pathogenic.

Literature cited by the submitters: PubMed 19896112; PubMed 21827697; PubMed 25045150; PubMed 26843181; PubMed 27439707.